The following is an entry in ClinVar:

NM_024675.4(PALB2):c.-2C>G

Gene: PALB2 (partner and localizer of BRCA2; minus strand). Cytogenetic location: 16p12.2.
Variant type: single nucleotide variant.
Coding change: c.-2C>G on transcript NM_024675.4 (MANE Select); 2 bases upstream of the start codon, C replaced by G.
Molecular consequence: 5 prime UTR variant.
Genome position (GRCh38, 1-based): chr16:23,641,159, G>C on the plus strand (C>G on the coding strand, the complement: PALB2 is on the minus strand). VCF-style: chr16-23641159-G-C. GRCh37 (hg19) VCF-style: chr16-23652480-G-C.
Other names: c.-2C>G (NM_001407296.1, NM_001407297.1, NM_001407298.1 and 5 more transcripts); c.-1745C>G (NM_001407304.1, NM_001407310.1); c.-1021C>G (NM_001407305.1, NM_001407307.1, NM_001407309.1 and 1 more transcripts); c.-870C>G (NM_001407306.1, NM_001407308.1); c.-154C>G (NM_001407312.1, NM_001407313.1).
Identifiers: ClinVar variation 830082 (VCV000830082.2), dbSNP rs587781902, ClinGen allele CA916081850.
Genomic context (GRCh38, chr16:23,641,159, plus strand): 5'-ACCCCCGGCACCTTTTCCTTCTCCTCACAGCTGAGGGGCTTCCCGGGAGGCTCGTCCATC[G>C]GGCAGGCGACAGAACGAAAAGAGCAGCCGTCGCCGACCCCAGGCCTGCCGACACCGGGAC-3'

ClinVar aggregate classification (germline): Uncertain significance. Review status: criteria provided, single submitter (1 of 4 stars). 2 submissions from 2 submitters: Uncertain significance (1). 1 of the submissions does not count toward it. Last evaluated 2024-09-22.

Conditions:
Hereditary cancer-predisposing syndrome. Also called: Hereditary neoplastic syndrome; Neoplastic Syndromes, Hereditary; Tumor predisposition; Hereditary Cancer Syndrome. Identifiers: Orphanet 140162, MedGen C0027672, MeSH D009386, MONDO:0015356.

Submissions (2):

Ambry Genetics
Classification: Uncertain significance for Hereditary cancer-predisposing syndrome. Last evaluated: 2024-09-22. Review status: criteria provided, single submitter. Criteria: Ambry Variant Classification Scheme 2023. Collection method: clinical testing. Allele origin: germline.
Comment: The c.-2C>G variant is located in the 5' untranslated region (5&rsquo; UTR) of the PALB2 gene. This variant results from a C to G substitution 2 bases upstream from the first translated codon. This nucleotide position is well conserved in available vertebrate species. Based on the available evidence, the clinical significance of this variant remains unclear.

Leiden Open Variation Database
Classification: Uncertain significance. Last evaluated: 2018-10-10. Review status: no assertion criteria provided. Collection method: curation. Allele origin: germline. Affected: yes. Not counted in ClinVar's aggregate classification.
Comment: Curators: Marc Tischkowitz, Arleen D. Auerbach. Submitter to LOVD: Yukihide Momozawa.

Literature cited by the submitters: PubMed 30287823 (cited by Leiden Open Variation Database).